The following is an entry in ClinVar:

NM_001387430.1(SH2B1):c.1898-264T>G

Gene: SH2B1 (SH2B adaptor protein 1; plus strand). Cytogenetic location: 16p11.2.
Variant type: single nucleotide variant.
Coding change: c.1898-264T>G on transcript NM_001387430.1 (MANE Select); 264 bases into the intron before coding-DNA position 1898, T replaced by G.
Molecular consequence: intron variant. On other transcripts: synonymous variant (4), missense variant (1).
Genome position (GRCh38, 1-based): chr16:28,873,183, T>G. VCF-style: chr16-28873183-T-G. GRCh37 (hg19) VCF-style: chr16-28884504-T-G.
Other names: c.1911T>G, p.Ala637= (NM_001145796.2, NM_001145812.2, NM_015503.3); c.1964T>G, p.Leu655Arg (NM_001145797.2); c.903T>G, p.Ala301= (NM_001308294.2); c.1898-264T>G (NM_001308293.2, NM_001387404.1, NM_001145795.2); short protein forms L655R.
Identifiers: ClinVar variation 3358006 (VCV003358006.1).

ClinVar aggregate classification (germline): Uncertain significance (0 of 4 stars; one submission).

Conditions:
SH2B1-related disorder. Also called: SH2B1-related condition.

gnomAD v4.1: 44 of 1,578,542 alleles (0.0028%); highest among the groups gnomAD compares: Non-Finnish European, 0.0038%; no homozygotes.

Submission:

PreventionGenetics, part of Exact Sciences
Classification: Uncertain significance for SH2B1-related condition. Last evaluated: 2024-04-24. Review status: no assertion criteria provided. Collection method: clinical testing. Allele origin: germline.
Comment: The SH2B1 c.1964T>G variant is predicted to result in the amino acid substitution p.Leu655Arg. To our knowledge, this variant has not been reported in the literature. This variant is reported in 0.0021% of alleles in individuals of European (non-Finnish) descent in gnomAD. At this time, the clinical significance of this variant is uncertain due to the absence of conclusive functional and genetic evidence.